The following is an entry in ClinVar:

NM_000051.4(ATM):c.4574_4578delinsCT (p.Ile1525_Pro1526delinsThr)

Gene: ATM (ATM serine/threonine kinase; plus strand). Cytogenetic location: 11q22.3.
Variant type: Indel.
Coding change: c.4574_4578delinsCT on transcript NM_000051.4 (MANE Select); coding-DNA positions 4574 to 4578, TACCC replaced by CT.
Protein change: p.Ile1525_Pro1526delinsThr.
Molecular consequence: inframe indel.
Genome position (GRCh38, 1-based): chr11:108,292,756-108,292,760, TACCC replaced by CT. VCF-style: chr11-108292756-TACCC-CT. GRCh37 (hg19) VCF-style: chr11-108163483-TACCC-CT.
Other names: c.4574_4578delinsCT, p.Ile1525_Pro1526delinsThr (NM_001351834.2).
Identifiers: ClinVar variation 825013 (VCV000825013.4), dbSNP rs1591674657, ClinGen allele CA915944422.

ClinVar aggregate classification (germline): Uncertain significance (1 of 4 stars; one submission).

Conditions:
Hereditary cancer-predisposing syndrome. Also called: Neoplastic Syndromes, Hereditary; Tumor predisposition; Hereditary neoplastic syndrome; Hereditary Cancer Syndrome. Identifiers: Orphanet 140162, MedGen C0027672, MeSH D009386, MONDO:0015356.

Submission:

Ambry Genetics
Classification: Uncertain significance for Hereditary cancer-predisposing syndrome. Last evaluated: 2018-02-16. Review status: criteria provided, single submitter. Criteria: Ambry Variant Classification Scheme 2023. Collection method: clinical testing. Allele origin: germline.
Comment: The c.4574_4578delTACCCinsCT variant (also known as p.I1525_P1526delinsT), located in coding exon 29 of the ATM gene, results from an in-frame deletion of TACCC and insertion of CT at nucleotide positions 4574 to 4578. This results in the substitution of an isoleucine and proline residues for a threonine residue at codon 1525. These amino acid positions are well conserved in available vertebrate species. Since supporting evidence is limited at this time, the clinical significance of this alteration remains unclear.